The following is an entry in ClinVar:

NM_177438.3(DICER1):c.3871G>C (p.Gly1291Arg)

Gene: DICER1 (dicer 1, ribonuclease III; minus strand). Cytogenetic location: 14q32.13.
Variant type: single nucleotide variant.
Coding change: c.3871G>C on transcript NM_177438.3 (MANE Select); coding-DNA position 3871, G replaced by C.
Protein change: p.Gly1291Arg; replaces glycine 1291 with arginine.
Molecular consequence: missense variant. On other transcripts: non-coding transcript variant (6).
Genome position (GRCh38, 1-based): chr14:95,103,525, C>G on the plus strand (G>C on the coding strand, the complement: DICER1 is on the minus strand). VCF-style: chr14-95103525-C-G. GRCh37 (hg19) VCF-style: chr14-95569862-C-G.
Other names: c.3871G>C, p.Gly1291Arg (NM_001195573.1, NM_001271282.3, NM_001291628.2 and 13 more transcripts); c.3589G>C, p.Gly1197Arg (NM_001395686.1); c.3466G>C, p.Gly1156Arg (NM_001395687.1, NM_001395688.1, NM_001395689.1 and 2 more transcripts); c.3304G>C, p.Gly1102Arg (NM_001395691.1); c.2188G>C, p.Gly730Arg (NM_001395697.1); short protein forms G1102R, G1156R, G1197R, G1291R, G730R.
Identifiers: ClinVar variation 3229395 (VCV003229395.1), dbSNP rs2542691704, ClinGen allele CA390873272.

ClinVar aggregate classification (germline): Uncertain significance (1 of 4 stars; one submission).

Conditions:
Hereditary cancer-predisposing syndrome. Also called: Neoplastic Syndromes, Hereditary; Tumor predisposition; Hereditary neoplastic syndrome; Hereditary Cancer Syndrome. Identifiers: Orphanet 140162, MedGen C0027672, MeSH D009386, MONDO:0015356.

Submission:

Ambry Genetics
Classification: Uncertain significance for Hereditary cancer-predisposing syndrome. Last evaluated: 2023-10-01. Review status: criteria provided, single submitter. Criteria: Ambry Variant Classification Scheme 2023. Collection method: clinical testing. Allele origin: germline.
Comment: The p.G1291R variant (also known as c.3871G>C), located in coding exon 20 of the DICER1 gene, results from a G to C substitution at nucleotide position 3871. The glycine at codon 1291 is replaced by arginine, an amino acid with dissimilar properties. This amino acid position is conserved. In addition, this alteration is predicted to be deleterious by in silico analysis. Since supporting evidence is limited at this time, the clinical significance of this alteration remains unclear.